The following is an entry in ClinVar:

NM_014704.4(CEP104):c.1977T>A (p.Ile659=)

Genes: CEP104 (centrosomal protein 104; minus strand), LOC126805586 (CDK7 strongly-dependent group 2 enhancer GRCh37_chr1:3745882-3747081; plus strand). Cytogenetic location: 1p36.32.
Variant type: single nucleotide variant.
Coding change: c.1977T>A on transcript NM_014704.4 (MANE Select); coding-DNA position 1977, T replaced by A.
Protein change: p.Ile659=; no amino-acid change (isoleucine 659 retained).
Molecular consequence: synonymous variant.
Genome position (GRCh38, 1-based): chr1:3,829,857, A>T on the plus strand (T>A on the coding strand, the complement: CEP104 is on the minus strand). VCF-style: chr1-3829857-A-T. GRCh37 (hg19) VCF-style: chr1-3746421-A-T.
Identifiers: ClinVar variation 4991964 (VCV004991964.1).

ClinVar aggregate classification (germline): Likely benign (1 of 4 stars; one submission).

Conditions:
CEP104-related disorder. Also called: CEP104-related condition.

Submission:

PreventionGenetics, part of Exact Sciences
Classification: Likely benign for CEP104-related condition. Last evaluated: 2026-05-29. Review status: criteria provided, single submitter. Criteria: ACMG Guidelines, 2015. Collection method: clinical testing. Allele origin: germline.
Comment: This variant is classified as likely benign based on ACMG/AMP sequence variant interpretation guidelines (Richards et al. 2015 PMID: 25741868, with internal and published modifications).